The following is an entry in ClinVar:

ClinVar aggregate classification (germline): Uncertain significance (1 of 4 stars; one submission).

Allele frequency attached by ClinVar (database versions not stated): gnomAD exomes below 0.00001.
gnomAD v4.1: 4 of 1,613,726 alleles (0.00025%); highest among the groups gnomAD compares: South Asian, 0.0022%; no homozygotes.

Submission:

GeneDx
Classification: Uncertain significance. Last evaluated: 2020-01-30. Review status: criteria provided, single submitter. Criteria: GeneDx Variant Classification Process June 2021. Collection method: clinical testing. Allele origin: germline. Affected: yes.
Comment: Not observed at a significant frequency in large population cohorts (Lek et al., 2016); In silico analysis, which includes protein predictors and evolutionary conservation, supports that this variant does not alter protein structure/function; Has not been previously published as pathogenic or benign to our knowledge

NM_001164508.2(NEB):c.2335G>A (p.Gly779Ser)

Gene: NEB (nebulin; minus strand). Cytogenetic location: 2q23.3.
Variant type: single nucleotide variant.
Coding change: c.2335G>A on transcript NM_001164508.2 (MANE Select); coding-DNA position 2335, G replaced by A.
Protein change: p.Gly779Ser; replaces glycine 779 with serine.
Molecular consequence: missense variant.
Genome position (GRCh38, 1-based): chr2:151,688,372, C>T on the plus strand (G>A on the coding strand, the complement: NEB is on the minus strand). VCF-style: chr2-151688372-C-T. GRCh37 (hg19) VCF-style: chr2-152544886-C-T.
Other names: c.2335G>A, p.Gly779Ser (NM_001164507.2, NM_001271208.2, NM_004543.5); short protein forms G779S.
Identifiers: ClinVar variation 1314668 (VCV001314668.2), dbSNP rs1390236645, ClinGen allele CA348823227.